The following is an entry in ClinVar:

NM_025137.4(SPG11):c.4725T>G (p.Phe1575Leu)

Gene: SPG11 (SPG11 vesicle trafficking associated, spatacsin; minus strand). Cytogenetic location: 15q21.1.
Variant type: single nucleotide variant.
Coding change: c.4725T>G on transcript NM_025137.4 (MANE Select); coding-DNA position 4725, T replaced by G.
Protein change: p.Phe1575Leu; replaces phenylalanine 1575 with leucine.
Molecular consequence: missense variant.
Genome position (GRCh38, 1-based): chr15:44,592,349, A>C on the plus strand (T>G on the coding strand, the complement: SPG11 is on the minus strand). VCF-style: chr15-44592349-A-C. GRCh37 (hg19) VCF-style: chr15-44884547-A-C.
Other names: c.4725T>G, p.Phe1575Leu (NM_001160227.2, NM_001411132.1); short protein forms F1575L.
Identifiers: ClinVar variation 3693295 (VCV003693295.2).

ClinVar aggregate classification (germline): Uncertain significance (1 of 4 stars; one submission).

Conditions:
Hereditary spastic paraplegia 11. Also called: Spastic paraplegia, mental retardation and thin corpus callosum; SPASTIC PARAPLEGIA, AUTOSOMAL RECESSIVE, COMPLICATED, WITH THIN CORPUS CALLOSUM; SPASTIC PARAPLEGIA, AUTOSOMAL RECESSIVE, WITH MENTAL IMPAIRMENT AND THIN CORPUS CALLOSUM; Spastic Paraplegia 11; Nakamura Osame syndrome; Autosomal recessive hereditary spastic paraplegia, mental impairment, and thin corpus callosum. Identifiers: Orphanet 2822, MedGen C1858479, MONDO:0011445, OMIM 604360.

gnomAD v4.1: 1 of 1,606,192 alleles (0.000062%); highest among the groups gnomAD compares: Non-Finnish European, 0.000085%; no homozygotes.

Submission:

Labcorp Genetics (formerly Invitae), Labcorp
Classification: Uncertain significance for Hereditary spastic paraplegia 11. Last evaluated: 2024-11-18. Review status: criteria provided, single submitter. Criteria: Invitae Variant Classification Sherloc (09022015). Collection method: clinical testing. Allele origin: germline.
Comment: This sequence change replaces phenylalanine, which is neutral and non-polar, with leucine, which is neutral and non-polar, at codon 1575 of the SPG11 protein (p.Phe1575Leu). This variant is not present in population databases (gnomAD no frequency). This variant has not been reported in the literature in individuals affected with SPG11-related conditions. Invitae Evidence Modeling of protein sequence and biophysical properties (such as structural, functional, and spatial information, amino acid conservation, physicochemical variation, residue mobility, and thermodynamic stability) indicates that this missense variant is not expected to disrupt SPG11 protein function with a negative predictive value of 80%. In summary, the available evidence is currently insufficient to determine the role of this variant in disease. Therefore, it has been classified as a Variant of Uncertain Significance.